The following is an entry in ClinVar:

NM_020753.5(CASKIN2):c.1468-4G>A

Gene: CASKIN2 (CASK interacting protein 2; minus strand). Cytogenetic location: 17q25.1.
Variant type: single nucleotide variant.
Coding change: c.1468-4G>A on transcript NM_020753.5 (MANE Select); 4 bases into the intron before coding-DNA position 1468, G replaced by A.
Molecular consequence: intron variant.
Genome position (GRCh38, 1-based): chr17:75,503,966, C>T on the plus strand (G>A on the coding strand, the complement: CASKIN2 is on the minus strand). VCF-style: chr17-75503966-C-T. GRCh37 (hg19) VCF-style: chr17-73500047-C-T.
Other names: c.1222-4G>A (NM_001142643.3).
Identifiers: ClinVar variation 2648263 (VCV002648263.24), dbSNP rs545779872, ClinGen allele CA8763369.
Genomic context (GRCh38, chr17:75,503,966, plus strand): 5'-GGCAGTGTAGCCCTCCAGCTGGAACTCGCTTAGCCAGTTATGAATGGCCTGCGCGTCCTG[C>T]GGGGTGGGGGAAGGGGGCAGAATTAGCAGGAGCTGGACCAAGGCCCTAGCCCCCACCAGG-3'

ClinVar aggregate classification (germline): Likely benign (1 of 4 stars; one submission).

Allele frequency attached by ClinVar (database versions not stated): gnomAD exomes 0.00001; gnomAD 0.00002; TOPMed 0.00004; ExAC 0.00005; 1000 Genomes Project 30x 0.00016; 1000 Genomes Project 0.00020.
gnomAD v4.1: 20 of 1,607,478 alleles (0.0012%); highest among the groups gnomAD compares: African/African-American, 0.0053%; no homozygotes.

Submission:

CeGaT Center for Human Genetics Tuebingen
Classification: Likely benign. Last evaluated: 2022-09-01. Review status: criteria provided, single submitter. Criteria: CeGaT Center For Human Genetics Tuebingen Variant Classification Criteria Version 2. Collection method: clinical testing. Allele origin: germline. Affected: yes. Observed: 1 variant allele.
Comment: CASKIN2: BP4, BS2